The following is an entry in ClinVar:

ClinVar aggregate classification (germline): Uncertain significance (1 of 4 stars; one submission).

Conditions:
Shprintzen-Goldberg syndrome (SGS). Also called: Marfanoid disorder with craniosynostosis type 1; Marfanoid craniosynostosis syndrome; Shprintzen-Goldberg marfanoid syndrome; SHPRINTZEN-GOLDBERG CRANIOSYNOSTOSIS SYNDROME; CRANIOSYNOSTOSIS WITH ARACHNODACTYLY AND ABDOMINAL HERNIAS. Identifiers: Orphanet 2462, MedGen C1321551, MONDO:0008426, OMIM 182212.

gnomAD v4.1: 4 of 1,613,758 alleles (0.00025%); highest among the groups gnomAD compares: South Asian, 0.0022%; no homozygotes.

Submission:

Labcorp Genetics (formerly Invitae), Labcorp
Classification: Uncertain significance for Shprintzen-Goldberg syndrome. Last evaluated: 2025-02-22. Review status: criteria provided, single submitter. Criteria: Invitae Variant Classification Sherloc (09022015). Collection method: clinical testing. Allele origin: germline.
Comment: This sequence change replaces threonine, which is neutral and polar, with isoleucine, which is neutral and non-polar, at codon 339 of the SKI protein (p.Thr339Ile). This variant is not present in population databases (gnomAD no frequency). This variant has not been reported in the literature in individuals affected with SKI-related conditions. Invitae Evidence Modeling of protein sequence and biophysical properties (such as structural, functional, and spatial information, amino acid conservation, physicochemical variation, residue mobility, and thermodynamic stability) indicates that this missense variant is not expected to disrupt SKI protein function with a negative predictive value of 95%. In summary, the available evidence is currently insufficient to determine the role of this variant in disease. Therefore, it has been classified as a Variant of Uncertain Significance.

NM_003036.4(SKI):c.1016C>T (p.Thr339Ile)

Gene: SKI (SKI proto-oncogene; plus strand). Cytogenetic location: 1p36.32.
Variant type: single nucleotide variant.
Coding change: c.1016C>T on transcript NM_003036.4 (MANE Select); coding-DNA position 1016, C replaced by T.
Protein change: p.Thr339Ile; replaces threonine 339 with isoleucine.
Molecular consequence: missense variant.
Genome position (GRCh38, 1-based): chr1:2,303,024, C>T. VCF-style: chr1-2303024-C-T. GRCh37 (hg19) VCF-style: chr1-2234463-C-T.
Other names: short protein forms T339I.
Identifiers: ClinVar variation 4799794 (VCV004799794.1).
Genomic context (GRCh38, chr1:2,303,024, plus strand): 5'-TTCATTGATCGCAGGTCTCCTCTGAGCCTCCGGCCTCCATAAGACCCAAAACAGATGACA[C>T]CTCTTCCCAGTCCCCCGCGCCTTCCGAAAAGGACAAGCCGTCCAGCTGGCTGCGGACCTT-3'
Protein context (NP_003027.1, residues 329-349): PASIRPKTDD[Thr339Ile]SSQSPAPSEK